The following is an entry in ClinVar:

NM_022455.5(NSD1):c.5651T>A (p.Ile1884Asn)

Gene: NSD1 (nuclear receptor binding SET domain protein 1; plus strand). Cytogenetic location: 5q35.3.
Variant type: single nucleotide variant.
Coding change: c.5651T>A on transcript NM_022455.5 (MANE Select); coding-DNA position 5651, T replaced by A.
Protein change: p.Ile1884Asn; replaces isoleucine 1884 with asparagine.
Molecular consequence: missense variant.
Genome position (GRCh38, 1-based): chr5:177,280,593, T>A. VCF-style: chr5-177280593-T-A. GRCh37 (hg19) VCF-style: chr5-176707594-T-A.
Other names: c.4778T>A, p.Ile1593Asn (NM_001365684.2, NM_001409308.1, NM_001409309.1 and 1 more transcripts); c.5651T>A, p.Ile1884Asn (NM_001409301.1, NM_001409302.1, NM_001409303.1); c.5231T>A, p.Ile1744Asn (NM_001409304.1); c.4898T>A, p.Ile1633Asn (NM_001409305.1); c.4889T>A, p.Ile1630Asn (NM_001409306.1, NM_001409307.1); short protein forms I1593N, I1615N, I1630N, I1633N, I1744N, I1884N.
Identifiers: ClinVar variation 2430518 (VCV002430518.4), dbSNP rs2480778998, ClinGen allele CA362312081.
Genomic context (GRCh38, chr5:177,280,593, plus strand): 5'-TTTATGCGGTGTACTTTGTGTTACTTTTCCAGGTAAACCGTCCTATTGGCAGGGTACAGA[T>A]CTTCACTGCAGACTTATCTGAAATACCCCGTTGCAACTGTAAAGCTACTGATGAGAACCC-3'
Protein context (NP_071900.2, residues 1874-1894): KVNRPIGRVQ[Ile1884Asn]FTADLSEIPR

ClinVar aggregate classification (germline): Uncertain significance. Review status: criteria provided, multiple submitters, no conflicts (2 of 4 stars). 2 submissions from 2 submitters: Uncertain significance (2). Last evaluated 2025-11-11.

Submissions (2):

GeneDx
Classification: Uncertain significance. Last evaluated: 2025-11-11. Review status: criteria provided, single submitter. Criteria: GeneDx Variant Classification Process June 2021. Collection method: clinical testing. Allele origin: germline.
Comment: Not observed at significant frequency in large population cohorts (gnomAD); In silico analysis supports that this missense variant has a deleterious effect on protein structure/function; Has not been previously published as pathogenic or benign to our knowledge

Labcorp Genetics (formerly Invitae), Labcorp
Classification: Uncertain significance. Last evaluated: 2024-11-28. Review status: criteria provided, single submitter. Criteria: Invitae Variant Classification Sherloc (09022015). Collection method: clinical testing. Allele origin: germline.
Comment: This sequence change replaces isoleucine, which is neutral and non-polar, with asparagine, which is neutral and polar, at codon 1884 of the NSD1 protein (p.Ile1884Asn). This variant is not present in population databases (gnomAD no frequency). This variant has not been reported in the literature in individuals affected with NSD1-related conditions. ClinVar contains an entry for this variant (Variation ID: 2430518). Invitae Evidence Modeling of protein sequence and biophysical properties (such as structural, functional, and spatial information, amino acid conservation, physicochemical variation, residue mobility, and thermodynamic stability) indicates that this missense variant is expected to disrupt NSD1 protein function with a positive predictive value of 95%. In summary, the available evidence is currently insufficient to determine the role of this variant in disease. Therefore, it has been classified as a Variant of Uncertain Significance.